The following is an entry in ClinVar:

ClinVar aggregate classification (germline): Uncertain significance. Review status: criteria provided, multiple submitters, no conflicts (2 of 4 stars). 6 submissions from 6 submitters: Uncertain significance (6). Last evaluated 2025-11-17.

Conditions:
Cardiovascular phenotype. Identifiers: MedGen CN230736.
Catecholaminergic polymorphic ventricular tachycardia (CVPT). Also called: Catecholamine-induced polymorphic ventricular tachycardia. Identifiers: Orphanet 3286, MedGen C5574922, MONDO:0017990.
Cardiomyopathy (CMYO). Also called: Cardiomyopathies. Identifiers: Orphanet 167848, MedGen C0878544, MONDO:0004994, HP:0001638. Inheritance: Various modes of inheritance.
Catecholaminergic polymorphic ventricular tachycardia 1. Also called: VENTRICULAR TACHYCARDIA, STRESS-INDUCED POLYMORPHIC 1; RYR2-Related Catecholaminergic Polymorphic Ventricular Tachycardia; VENTRICULAR TACHYCARDIA, CATECHOLAMINERGIC POLYMORPHIC, 1, WITH OR WITHOUT ATRIAL DYSFUNCTION AND/OR DILATED CARDIOMYOPATHY. Identifiers: Orphanet 3286, MedGen C1631597, MONDO:0011484, OMIM 604772.

Allele frequency attached by ClinVar (database versions not stated): TOPMed 0.00002.
gnomAD v4.1: 25 of 1,564,582 alleles (0.0016%); highest among the groups gnomAD compares: Non-Finnish European, 0.002%; no homozygotes.

Submissions (6):

Labcorp Genetics (formerly Invitae), Labcorp
Classification: Uncertain significance for Catecholaminergic polymorphic ventricular tachycardia 1. Last evaluated: 2025-11-17. Review status: criteria provided, single submitter. Criteria: Invitae Variant Classification Sherloc (09022015). Collection method: clinical testing. Allele origin: germline.
Comment: This sequence change replaces alanine, which is neutral and non-polar, with valine, which is neutral and non-polar, at codon 2603 of the RYR2 protein (p.Ala2603Val). This variant is present in population databases (rs752607318, gnomAD 0.004%). This variant has not been reported in the literature in individuals affected with RYR2-related conditions. ClinVar contains an entry for this variant (Variation ID: 229223). Invitae Evidence Modeling of protein sequence and biophysical properties (such as structural, functional, and spatial information, amino acid conservation, physicochemical variation, residue mobility, and thermodynamic stability) indicates that this missense variant is not expected to disrupt RYR2 protein function with a negative predictive value of 95%. In summary, the available evidence is currently insufficient to determine the role of this variant in disease. Therefore, it has been classified as a Variant of Uncertain Significance.

Color Diagnostics, LLC DBA Color Health
Classification: Uncertain significance for Cardiomyopathy. Last evaluated: 2025-08-22. Review status: criteria provided, single submitter. Criteria: ACMG Guidelines, 2015. Collection method: clinical testing. Allele origin: germline.
Comment: This missense variant replaces alanine with valine at codon 2603 of the RYR2 protein. Computational prediction suggests that this variant may not impact protein structure and function. To our knowledge, functional studies have not been reported for this variant. This variant has not been reported in individuals affected with RYR2-related disorders in the literature. This variant has been identified in 4/197016 chromosomes in the general population by the Genome Aggregation Database (gnomAD). The available evidence is insufficient to determine the role of this variant in disease conclusively. Therefore, this variant is classified as a Variant of Uncertain Significance.

All of Us Research Program, National Institutes of Health
Classification: Uncertain significance for Catecholaminergic polymorphic ventricular tachycardia. Last evaluated: 2024-01-11. Review status: criteria provided, single submitter. Criteria: ACMG Guidelines, 2015. Collection method: clinical testing. Allele origin: germline. Inheritance: Autosomal dominant inheritance. Observed: 9 variant alleles, 9 heterozygotes.
Comment: This variant is located in the RYR2 protein. Computational prediction suggests that this variant may not impact protein structure and function (internally defined REVEL score threshold <= 0.5, PMID: 27666373). To our knowledge, functional studies have not been reported for this variant. This variant has not been reported in individuals affected with cardiovascular disorders in the literature. This variant has been identified in 4/197016 chromosomes in the general population by the Genome Aggregation Database (gnomAD). The available evidence is insufficient to determine the role of this variant in disease conclusively. Therefore, this variant is classified as a Variant of Uncertain Significance.

This study involves interpretation of variants in research participants for the purpose of population health screening. Participant phenotype was not available at the time of variant classification. Additional details can be found in publication PMID: 35346344, PMCID: PMC8962531

Ambry Genetics
Classification: Uncertain significance for Cardiovascular phenotype. Last evaluated: 2020-12-31. Review status: criteria provided, single submitter. Criteria: Ambry Variant Classification Scheme 2023. Collection method: clinical testing. Allele origin: germline.
Comment: The p.A2603V variant (also known as c.7808C>T), located in coding exon 51 of the RYR2 gene, results from a C to T substitution at nucleotide position 7808. The alanine at codon 2603 is replaced by valine, an amino acid with similar properties. This amino acid position is not well conserved in available vertebrate species. In addition, the in silico prediction for this alteration is inconclusive. Since supporting evidence is limited at this time, the clinical significance of this alteration remains unclear.

GeneDx
Classification: Uncertain significance. Last evaluated: 2017-03-10. Review status: criteria provided, single submitter. Criteria: GeneDx Variant Classification (06012015). Collection method: clinical testing. Allele origin: germline. Affected: yes.
Comment: A variant of uncertain significance has been identified in the RYR2 gene. The A2603V variant has not been published as pathogenic or been reported as benign to our knowledge. This variant is not observed at a significant frequency in large population cohorts (Lek et al., 2016; 1000 Genomes Consortium et al., 2015; Exome Variant Server). However, the A2603V variant is a conservative amino acid substitution, which is not likely to impact secondary protein structure as these residues share similar properties. This substitution occurs at a position that is not conserved across species and where valine is the wild type in several species. Additionally, in silico analysis is inconsistent in its predictions as to whether or not the variant is damaging to the protein structure/function. Finally, the A2603V variant is not located in one of the three hot-spot regions of the RYR2 gene, where the majority of pathogenic missense variants occur (Medeiros-Domingo et al., 2009).

Laboratory for Molecular Medicine, Mass General Brigham Personalized Medicine
Classification: Uncertain significance. Last evaluated: 2016-01-11. Review status: criteria provided, single submitter. Criteria: LMM Criteria. Collection method: clinical testing. Allele origin: germline. Observed: 1 variant allele.
Comment: The p.Ala2603Val variant in RYR2 has not been previously reported in individuals with cardiomyopathy, but has been identified in 1/22080 European chromosomes by the Exome Aggregation Consortium (ExAC; dbSNP r s752607318). Computational prediction tools and conservation analysis do not pro vide strong support for or against an impact to the protein. In summary, the cli nical significance of the p.Ala2603Val variant is uncertain.

Literature cited by the submitters: PubMed 11157710 (cited by Laboratory for Molecular Medicine, Mass General Brigham Personalized Medicine).

NM_001035.3(RYR2):c.7808C>T (p.Ala2603Val)

Gene: RYR2 (ryanodine receptor 2; plus strand). Cytogenetic location: 1q43.
Variant type: single nucleotide variant.
Coding change: c.7808C>T on transcript NM_001035.3 (MANE Select); coding-DNA position 7808, C replaced by T.
Protein change: p.Ala2603Val; replaces alanine 2603 with valine.
Molecular consequence: missense variant.
Genome position (GRCh38, 1-based): chr1:237,651,485, C>T. VCF-style: chr1-237651485-C-T. GRCh37 (hg19) VCF-style: chr1-237814785-C-T.
Other names: short protein forms A2603V.
Identifiers: ClinVar variation 229223 (VCV000229223.26), dbSNP rs752607318, ClinGen allele CA087500.